The following is an entry in ClinVar:

ClinVar aggregate classification (germline): Uncertain significance (1 of 4 stars; one submission).

Conditions:
Familial adenomatous polyposis 1 (FAP1). Also called: FAMILIAL ADENOMATOUS POLYPOSIS 1, ATTENUATED; POLYPOSIS, ADENOMATOUS INTESTINAL. Identifiers: MedGen C2713442, MONDO:0021056, OMIM 175100. Disease mechanism: loss of function.

Submission:

Labcorp Genetics (formerly Invitae), Labcorp
Classification: Uncertain significance for Familial adenomatous polyposis 1. Last evaluated: 2025-09-10. Review status: criteria provided, single submitter. Criteria: Invitae Variant Classification Sherloc (09022015). Collection method: clinical testing. Allele origin: germline.
Comment: This sequence change replaces glutamine, which is neutral and polar, with lysine, which is basic and polar, at codon 2291 of the APC protein (p.Gln2291Lys). This variant is not present in population databases (gnomAD no frequency). This variant has not been reported in the literature in individuals affected with APC-related conditions. Invitae Evidence Modeling of protein sequence and biophysical properties (such as structural, functional, and spatial information, amino acid conservation, physicochemical variation, residue mobility, and thermodynamic stability) indicates that this missense variant is not expected to disrupt APC protein function with a negative predictive value of 95%. In summary, the available evidence is currently insufficient to determine the role of this variant in disease. Therefore, it has been classified as a Variant of Uncertain Significance.

NM_000038.6(APC):c.6871C>A (p.Gln2291Lys)

Gene: APC (APC regulator of Wnt signaling pathway; plus strand). Cytogenetic location: 5q22.2.
Variant type: single nucleotide variant.
Coding change: c.6871C>A on transcript NM_000038.6 (MANE Select); coding-DNA position 6871, C replaced by A.
Protein change: p.Gln2291Lys; replaces glutamine 2291 with lysine.
Molecular consequence: missense variant. On other transcripts: non-coding transcript variant (2).
Genome position (GRCh38, 1-based): chr5:112,842,465, C>A. VCF-style: chr5-112842465-C-A. GRCh37 (hg19) VCF-style: chr5-112178162-C-A.
Other names: c.6871C>A, p.Gln2291Lys (NM_001127510.3, NM_001354895.2, NM_001407450.1); c.6817C>A, p.Gln2273Lys (NM_001127511.3); c.6925C>A, p.Gln2309Lys (NM_001354896.2, NM_001407447.1, NM_001407448.1 and 1 more transcripts); c.6901C>A, p.Gln2301Lys (NM_001354897.2); c.6796C>A, p.Gln2266Lys (NM_001354898.2); c.6787C>A, p.Gln2263Lys (NM_001354899.2); c.6748C>A, p.Gln2250Lys (NM_001354900.2); c.6694C>A, p.Gln2232Lys (NM_001354901.2, NM_001407453.1); and 11 more; short protein forms Q1907K, Q2008K, Q2131K, Q2162K, Q2165K, Q2190K, Q2200K, Q2208K.
Identifiers: ClinVar variation 4801515 (VCV004801515.1).